The following is an entry in ClinVar:

NM_000362.5(TIMP3):c.*2033G>T

Genes: SYN3 (synapsin III; minus strand), TIMP3 (TIMP metallopeptidase inhibitor 3; plus strand). Cytogenetic location: 22q12.3.
Variant type: single nucleotide variant.
Coding change: c.*2033G>T on transcript NM_000362.5 (MANE Select); 2033 bases downstream of the stop codon, G replaced by T.
Molecular consequence: 3 prime UTR variant. On other transcripts: intron variant (7).
Genome position (GRCh38, 1-based): chr22:32,861,410, G>T. VCF-style: chr22-32861410-G-T. GRCh37 (hg19) VCF-style: chr22-33257397-G-T.
Other names: c.708+3505C>A (NM_001369909.1, NM_001135774.2, NM_001369910.1); c.711+3505C>A (NM_001369907.1, NM_003490.4, NM_001369908.1 and 1 more transcripts).
Identifiers: ClinVar variation 341380 (VCV000341380.5), dbSNP rs140989943, ClinGen allele CA10654089.

ClinVar aggregate classification (germline): Benign (1 of 4 stars; one submission).

Conditions:
Sorsby fundus dystrophy (SFD). Also called: MACULAR DYSTROPHY, HEMORRHAGIC; Sorsby fundus dystrophy, Lavia type; FUNDUS DYSTROPHY, PSEUDOINFLAMMATORY, OF SORSBY. Identifiers: Orphanet 59181, MedGen C1850938, MONDO:0007640, OMIM 136900.

Allele frequency attached by ClinVar (database versions not stated): gnomAD 0.00087 and 0.00103; TOPMed 0.00127; 1000 Genomes Project 0.00419; 1000 Genomes Project 30x 0.00422.

Submission:

Illumina Laboratory Services, Illumina
Classification: Benign for Sorsby fundus dystrophy. Last evaluated: 2018-01-13. Review status: criteria provided, single submitter. Criteria: ICSL Variant Classification Criteria 13 December 2019. Collection method: clinical testing. Allele origin: germline.
Comment: This variant was observed in the ICSL laboratory as part of a predisposition screen in an ostensibly healthy population. It had not been previously curated by ICSL or reported in the Human Gene Mutation Database (HGMD: prior to June 1st, 2018), and was therefore a candidate for classification through an automated scoring system. Utilizing variant allele frequency, disease prevalence and penetrance estimates, and inheritance mode, an automated score was calculated to assess if this variant is too frequent to cause the disease. Based on the score and internal cut-off values, a variant classified as benign is not then subjected to further curation. The score for this variant resulted in a classification of benign for this disease.